The following is an entry in ClinVar:

ClinVar aggregate classification (germline): Likely benign. Review status: criteria provided, multiple submitters, no conflicts (2 of 4 stars). 4 submissions from 4 submitters: Likely benign (4). Last evaluated 2026-08-11.

Conditions:
ZNF469-related disorder. Also called: ZNF469-related condition.
Cardiovascular phenotype. Identifiers: MedGen CN230736.

Allele frequency attached by ClinVar (database versions not stated): gnomAD 0.00001; gnomAD exomes 0.00001; TOPMed 0.00001; ExAC 0.00005.
gnomAD v4.1: 7 of 1,550,012 alleles (0.00045%); highest among the groups gnomAD compares: African/African-American, 0.0014%; no homozygotes.

Submissions (4):

PreventionGenetics, part of Exact Sciences
Classification: Likely benign for ZNF469-related condition. Last evaluated: 2026-08-11. Review status: criteria provided, single submitter. Criteria: ACMG Guidelines, 2015. Collection method: clinical testing. Allele origin: germline.
Comment: This variant is classified as likely benign based on ACMG/AMP sequence variant interpretation guidelines (Richards et al. 2015 PMID: 25741868, with internal and published modifications).

Labcorp Genetics (formerly Invitae), Labcorp
Classification: Likely benign. Last evaluated: 2025-05-25. Review status: criteria provided, single submitter. Criteria: Invitae Variant Classification Sherloc (09022015). Collection method: clinical testing. Allele origin: germline.

Women's Health and Genetics/Laboratory Corporation of America, LabCorp
Classification: Likely benign. Last evaluated: 2025-05-20. Review status: criteria provided, single submitter. Criteria: LabCorp Variant Classification Summary - May 2015. Collection method: clinical testing. Allele origin: germline.

Ambry Genetics
Classification: Likely benign for Cardiovascular phenotype. Last evaluated: 2019-12-10. Review status: criteria provided, single submitter. Criteria: Ambry Variant Classification Scheme 2023. Collection method: clinical testing. Allele origin: germline.

NM_001367624.2(ZNF469):c.8112G>A (p.Glu2704=)

Gene: ZNF469 (zinc finger protein 469; plus strand). Cytogenetic location: 16q24.2.
Variant type: single nucleotide variant.
Coding change: c.8112G>A on transcript NM_001367624.2 (MANE Select); coding-DNA position 8112, G replaced by A.
Protein change: p.Glu2704=; no amino-acid change (glutamic acid 2704 retained).
Molecular consequence: synonymous variant.
Genome position (GRCh38, 1-based): chr16:88,435,582, G>A. VCF-style: chr16-88435582-G-A. GRCh37 (hg19) VCF-style: chr16-88501990-G-A.
Other names: NM_001127464.1:c.8028G>A; NM_001127464.2:c.8028G>A.
Identifiers: ClinVar variation 1761717 (VCV001761717.11), dbSNP rs773262065, ClinGen allele CA8225310.